The following is an entry in ClinVar:

NM_002485.5(NBN):c.773A>G (p.Glu258Gly)

Gene: NBN (nibrin; minus strand). Cytogenetic location: 8q21.3.
Variant type: single nucleotide variant.
Coding change: c.773A>G on transcript NM_002485.5 (MANE Select); coding-DNA position 773, A replaced by G.
Protein change: p.Glu258Gly; replaces glutamic acid 258 with glycine.
Molecular consequence: missense variant.
Genome position (GRCh38, 1-based): chr8:89,970,487, T>C on the plus strand (A>G on the coding strand, the complement: NBN is on the minus strand). VCF-style: chr8-89970487-T-C. GRCh37 (hg19) VCF-style: chr8-90982715-T-C.
Other names: c.527A>G, p.Glu176Gly (NM_001024688.3); short protein forms E258G, E176G.
Identifiers: ClinVar variation 186988 (VCV000186988.25), dbSNP rs786203380, ClinGen allele CA196412.
Genomic context (GRCh38, chr8:89,970,487, plus strand): 5'-GAGTTTGTTATTCCTGTATCAACAACACACGTTCCCGGAGCCAAAAAGAAATTATGTTCT[T>C]CTTCATTCTCTTCTGTTATCAACCTAGCTTCCCCACCTCCAAAGACAACTGCGGAACTCA-3'
Protein context (NP_002476.2, residues 248-268): EARLITEENE[Glu258Gly]EHNFFLAPGT

ClinVar aggregate classification (germline): Uncertain significance. Review status: criteria provided, multiple submitters, no conflicts (2 of 4 stars). 5 submissions from 5 submitters: Uncertain significance (4). 1 of the submissions does not count toward it. Last evaluated 2025-10-26.

Conditions:
Hereditary cancer-predisposing syndrome. Also called: Hereditary Cancer Syndrome; Neoplastic Syndromes, Hereditary; Tumor predisposition; Hereditary neoplastic syndrome. Identifiers: Orphanet 140162, MedGen C0027672, MeSH D009386, MONDO:0015356.
Microcephaly, normal intelligence and immunodeficiency (NBS). Also called: IMMUNODEFICIENCY, MICROCEPHALY, AND CHROMOSOMAL INSTABILITY; SEEMANOVA SYNDROME II; Immunodeficiency, microcephaly with normal intelligence; Ataxia telangiectasia variant V1; Nijmegen breakage syndrome; Microcephaly with normal intelligence immunodeficiency and lymphoreticular malignancies. Identifiers: Orphanet 647, MedGen C0398791, MONDO:0009623, OMIM 251260.

Allele frequency attached by ClinVar (database versions not stated): gnomAD 0.00001; TOPMed 0.00001.
gnomAD v4.1: 1 of 1,613,734 alleles (0.000062%); highest among the groups gnomAD compares: African/African-American, 0.0013%; no homozygotes.

Submissions (5):

Ambry Genetics
Classification: Uncertain significance for Hereditary cancer-predisposing syndrome. Last evaluated: 2025-10-26. Review status: criteria provided, single submitter. Criteria: Ambry Variant Classification Scheme 2023. Collection method: clinical testing. Allele origin: germline.
Comment: The p.E258G variant (also known as c.773A>G), located in coding exon 7 of the NBN gene, results from an A to G substitution at nucleotide position 773. The glutamic acid at codon 258 is replaced by glycine, an amino acid with similar properties. This amino acid position is highly conserved in available vertebrate species. In addition, this alteration is predicted to be tolerated by in silico analysis. Since supporting evidence is limited at this time, the clinical significance of this alteration remains unclear.

Labcorp Genetics (formerly Invitae), Labcorp
Classification: Uncertain significance for Microcephaly, normal intelligence and immunodeficiency. Last evaluated: 2022-11-03. Review status: criteria provided, single submitter. Criteria: Invitae Variant Classification Sherloc (09022015). Collection method: clinical testing. Allele origin: germline.
Comment: In summary, the available evidence is currently insufficient to determine the role of this variant in disease. Therefore, it has been classified as a Variant of Uncertain Significance. Algorithms developed to predict the effect of missense changes on protein structure and function (SIFT, PolyPhen-2, Align-GVGD) all suggest that this variant is likely to be tolerated. ClinVar contains an entry for this variant (Variation ID: 186988). This variant has not been reported in the literature in individuals affected with NBN-related conditions. This variant is present in population databases (rs786203380, gnomAD 0.01%). This sequence change replaces glutamic acid, which is acidic and polar, with glycine, which is neutral and non-polar, at codon 258 of the NBN protein (p.Glu258Gly).

Genome-Nilou Lab
Classification: Uncertain significance for Microcephaly, normal intelligence and immunodeficiency. Last evaluated: 2021-11-07. Review status: criteria provided, single submitter. Criteria: ACMG Guidelines, 2015. Collection method: clinical testing. Allele origin: germline. Affected: no.

GeneDx
Classification: Uncertain significance. Last evaluated: 2020-04-06. Review status: criteria provided, single submitter. Criteria: GeneDx Variant Classification Process June 2021. Collection method: clinical testing. Allele origin: germline. Affected: yes.
Comment: In silico analysis supports that this missense variant does not alter protein structure/function; Has not been previously published as pathogenic or benign to our knowledge

Natera, Inc.
Classification: Uncertain significance for Nijmegen breakage syndrome. Last evaluated: 2020-02-21. Review status: no assertion criteria provided. Collection method: clinical testing. Allele origin: germline. Not counted in ClinVar's aggregate classification.